The following is an entry in ClinVar:

NM_002529.4(NTRK1):c.1504G>T (p.Val502Phe)

Gene: NTRK1 (neurotrophic receptor tyrosine kinase 1; plus strand). Cytogenetic location: 1q23.1.
Variant type: single nucleotide variant.
Coding change: c.1504G>T on transcript NM_002529.4 (MANE Select); coding-DNA position 1504, G replaced by T.
Protein change: p.Val502Phe; replaces valine 502 with phenylalanine.
Molecular consequence: missense variant.
Genome position (GRCh38, 1-based): chr1:156,876,082, G>T. VCF-style: chr1-156876082-G-T. GRCh37 (hg19) VCF-style: chr1-156845874-G-T.
Other names: c.1504G>T, p.Val502Phe (NM_001007204.1); c.1396G>T, p.Val466Phe (NM_001007792.1); c.1486G>T, p.Val496Phe (NM_001012331.2); short protein forms V466F, V496F, V502F.
Identifiers: ClinVar variation 1773682 (VCV001773682.2), dbSNP rs2102917120, ClinGen allele CA342937775.
Genomic context (GRCh38, chr1:156,876,082, plus strand): 5'-CTACAACCCCAGCCCTCCCAAGACTGGGGCTACCGTCTGACCCTGCAAGCCCCCTCAGGT[G>T]TTCACCACATCAAGCGCCGGGACATCGTGCTCAAGTGGGAGCTGGGGGAGGGCGCCTTTG-3'
Protein context (NP_002520.2, residues 492-512): ENPQYFSDAC[Val502Phe]HHIKRRDIVL

ClinVar aggregate classification (germline): Uncertain significance (1 of 4 stars; one submission).

Conditions:
Inborn genetic diseases. Identifiers: MedGen C0950123, MeSH D030342.

Allele frequency attached by ClinVar (database versions not stated): gnomAD exomes below 0.00001.
gnomAD v4.1: 2 of 1,614,188 alleles (0.00012%); highest among the groups gnomAD compares: Non-Finnish European, 0.00017%; no homozygotes.

Submission:

Ambry Genetics
Classification: Uncertain significance for Inborn genetic diseases. Last evaluated: 2021-10-08. Review status: criteria provided, single submitter. Criteria: Ambry Variant Classification Scheme 2023. Collection method: clinical testing. Allele origin: germline.
Comment: The p.V496F variant (also known as c.1486G>T), located in coding exon 12 of the NTRK1 gene, results from a G to T substitution at nucleotide position 1486. The valine at codon 496 is replaced by phenylalanine, an amino acid with highly similar properties. This amino acid position is conserved. In addition, this alteration is predicted to be deleterious by in silico analysis. Since supporting evidence is limited at this time, the clinical significance of this alteration remains unclear.